The following is an entry in ClinVar:

NM_022763.4(FNDC3B):c.2967G>C (p.Glu989Asp)

Gene: FNDC3B (fibronectin type III domain containing 3B; plus strand). Cytogenetic location: 3q26.31.
Variant type: single nucleotide variant.
Coding change: c.2967G>C on transcript NM_022763.4 (MANE Select); coding-DNA position 2967, G replaced by C.
Protein change: p.Glu989Asp; replaces glutamic acid 989 with aspartic acid.
Molecular consequence: missense variant.
Genome position (GRCh38, 1-based): chr3:172,362,804, G>C. VCF-style: chr3-172362804-G-C. GRCh37 (hg19) VCF-style: chr3-172080594-G-C.
Other names: c.2967G>C, p.Glu989Asp (NM_001135095.2); c.2967G>C (NM_022763.3); short protein forms E989D.
Identifiers: ClinVar variation 718734 (VCV000718734.6), dbSNP rs61734221, ClinGen allele CA2706142.

ClinVar aggregate classification (germline): Benign. Review status: criteria provided, multiple submitters, no conflicts (2 of 4 stars). 3 submissions from 3 submitters: Benign (2). 1 of the submissions does not count toward it. Last evaluated 2018-03-30.

Conditions:
FNDC3B-related disorder. Also called: FNDC3B-related condition.

Allele frequency attached by ClinVar (database versions not stated): gnomAD exomes 0.00107 and 0.00320; ExAC 0.00414; gnomAD 0.01158 and 0.01228; TOPMed 0.01244; ESP Exome Variant Server 0.01276; 1000 Genomes Project 0.01318; 1000 Genomes Project 30x 0.01499.
gnomAD v4.1: 3,390 of 1,613,948 alleles (0.21%); highest among the groups gnomAD compares: African/African-American, 3.9%; 68 homozygotes.

Submissions (3):

Labcorp Genetics (formerly Invitae), Labcorp
Classification: Benign. Last evaluated: 2018-03-30. Review status: criteria provided, single submitter. Criteria: Invitae Variant Classification Sherloc (09022015). Collection method: clinical testing. Allele origin: germline.

Breakthrough Genomics
Classification: Benign. Review status: criteria provided, single submitter. Criteria: ACMG Guidelines, 2015. Collection method: not provided. Allele origin: germline. Inheritance: Unknown mechanism. Affected: yes.

PreventionGenetics, part of Exact Sciences
Classification: Benign for FNDC3B-related condition. Last evaluated: 2020-01-02. Review status: no assertion criteria provided. Collection method: clinical testing. Allele origin: germline. Not counted in ClinVar's aggregate classification.
Comment: This variant is classified as benign based on ACMG/AMP sequence variant interpretation guidelines (Richards et al. 2015 PMID: 25741868, with internal and published modifications).